The following is an entry in ClinVar:

ClinVar aggregate classification (germline): Uncertain significance (1 of 4 stars; one submission).

Submission:

Labcorp Genetics (formerly Invitae), Labcorp
Classification: Uncertain significance. Last evaluated: 2024-01-17. Review status: criteria provided, single submitter. Criteria: Invitae Variant Classification Sherloc (09022015). Collection method: clinical testing. Allele origin: germline.
Comment: This sequence change affects an acceptor splice site in intron 17 of the AP3D1 gene. It is expected to disrupt RNA splicing. Variants that disrupt the donor or acceptor splice site typically lead to a loss of protein function (PMID: 16199547), however the current clinical and genetic evidence is not sufficient to establish whether loss-of-function variants in AP3D1 cause disease. This variant is not present in population databases (gnomAD no frequency). This variant has not been reported in the literature in individuals affected with AP3D1-related conditions. ClinVar contains an entry for this variant (Variation ID: 1372584). Algorithms developed to predict the effect of sequence changes on RNA splicing suggest that this variant may disrupt the consensus splice site. In summary, the available evidence is currently insufficient to determine the role of this variant in disease. Therefore, it has been classified as a Variant of Uncertain Significance.

Literature cited by the submitters: PubMed 16199547.

NM_001261826.3(AP3D1):c.2002-1G>C

Gene: AP3D1 (adaptor related protein complex 3 subunit delta 1; minus strand). Cytogenetic location: 19p13.3.
Variant type: single nucleotide variant.
Coding change: c.2002-1G>C on transcript NM_001261826.3 (MANE Select); the canonical splice acceptor site of the intron before coding-DNA position 2002, G replaced by C.
Molecular consequence: splice acceptor variant.
Genome position (GRCh38, 1-based): chr19:2,116,279, C>G on the plus strand (G>C on the coding strand, the complement: AP3D1 is on the minus strand). VCF-style: chr19-2116279-C-G. GRCh37 (hg19) VCF-style: chr19-2116278-C-G.
Other names: c.2002-1G>C (NM_003938.8, NM_001374799.1).
Identifiers: ClinVar variation 1372584 (VCV001372584.8), dbSNP rs2145045504, ClinGen allele CA403216035.